The following is an entry in ClinVar:

NM_024642.5(GALNT12):c.1202G>A (p.Arg401His)

Gene: GALNT12 (polypeptide N-acetylgalactosaminyltransferase 12; plus strand). Cytogenetic location: 9q22.33.
Variant type: single nucleotide variant.
Coding change: c.1202G>A on transcript NM_024642.5 (MANE Select); coding-DNA position 1202, G replaced by A.
Protein change: p.Arg401His; replaces arginine 401 with histidine.
Molecular consequence: missense variant.
Genome position (GRCh38, 1-based): chr9:98,837,138, G>A. VCF-style: chr9-98837138-G-A. GRCh37 (hg19) VCF-style: chr9-101599420-G-A.
Other names: short protein forms R401H.
Identifiers: ClinVar variation 1051498 (VCV001051498.11), dbSNP rs1204571302, ClinGen allele CA374220068.

ClinVar aggregate classification (germline): Conflicting classifications of pathogenicity. Review status: criteria provided, conflicting classifications (1 of 4 stars). 2 submissions from 2 submitters: Uncertain significance (1); Likely benign (1). Last evaluated 2023-12-04.

Allele frequency attached by ClinVar (database versions not stated): gnomAD exomes below 0.00001 and 0.00001.
gnomAD v4.1: 7 of 1,614,120 alleles (0.00043%); highest among the groups gnomAD compares: East Asian, 0.0022%; no homozygotes.

Submissions (2):

Ambry Genetics
Classification: Likely benign. Last evaluated: 2023-12-04. Review status: criteria provided, single submitter. Criteria: Ambry Variant Classification Scheme 2023. Collection method: clinical testing. Allele origin: germline.

Labcorp Genetics (formerly Invitae), Labcorp
Classification: Uncertain significance. Last evaluated: 2020-06-24. Review status: criteria provided, single submitter. Criteria: Invitae Variant Classification Sherloc (09022015). Collection method: clinical testing. Allele origin: germline.
Comment: This sequence change replaces arginine with histidine at codon 401 of the GALNT12 protein (p.Arg401His). The arginine residue is weakly conserved and there is a small physicochemical difference between arginine and histidine. This variant is not present in population databases (ExAC no frequency). This variant has not been reported in the literature in individuals with GALNT12-related conditions. Algorithms developed to predict the effect of missense changes on protein structure and function output the following: SIFT: "Tolerated"; PolyPhen-2: "Benign"; Align-GVGD: "Class C0". The histidine amino acid residue is found in multiple mammalian species, suggesting that this missense change does not adversely affect protein function. These predictions have not been confirmed by published functional studies and their clinical significance is uncertain. In summary, the available evidence is currently insufficient to determine the role of this variant in disease. Therefore, it has been classified as a Variant of Uncertain Significance.